The following is an entry in ClinVar:

NM_005120.3(MED12):c.6279ACAGCA[3] (p.Gln2114_Gln2115dup)

Gene: MED12 (mediator complex subunit 12; plus strand). Cytogenetic location: Xq13.1.
Variant type: Microsatellite.
Coding change: c.6279ACAGCA[3] on transcript NM_005120.3 (MANE Select); three copies in a row of the 6-base unit ACAGCA starting at c.6279; the reference has two copies in a row; one copy, 6 bases duplicated; also written c.6285_6290dup.
Protein change: p.Gln2114_Gln2115dup.
Molecular consequence: inframe insertion.
Genome position (GRCh38, 1-based): chrX:71,141,247-71,141,252, ACAGCA duplicated; duplicating any 6 consecutive bases within chrX:71,141,236-71,141,252 gives the same sequence; the position shown is the placement nearest the transcript's 3' end. VCF-style (leftmost placement, unchanged base first): chrX-71141235-G-GCAGCAA. GRCh37 (hg19) VCF-style: chrX-70361085-G-GCAGCAA.
Other names: c.6285_6290dup (NM_005120.3, NM_005120.2).
Identifiers: ClinVar variation 509645 (VCV000509645.19), dbSNP rs761195801, ClinGen allele CA10444914.
Genomic context (GRCh38, chrX:71,141,235, plus strand): 5'-TGAGGCTTAGCTTCCTCCCTCTGCTCCTTCTGAAGTATCTTTTGTGTTCTTATAGCAGCA[G>GCAGCAA]CAGCAACAGCAACAGCAGCAGCAGCAGCAGCAGCAACAGCAACAGCAGCAGCAGCAACAG-3'

ClinVar aggregate classification (germline): Conflicting classifications of pathogenicity. Review status: criteria provided, conflicting classifications (1 of 4 stars). 4 submissions from 4 submitters: Uncertain significance (2); Likely benign (2). Last evaluated 2026-01-24.

Conditions:
FG syndrome (FGS). Identifiers: MedGen C0220769, MONDO:0002010.
Familial thoracic aortic aneurysm and aortic dissection (TAAD). Also called: Thoracic aortic aneurysms and dissections. Identifiers: Orphanet 91387, MedGen C4707243, MONDO:0019625.

Submissions (4):

Labcorp Genetics (formerly Invitae), Labcorp
Classification: Uncertain significance for FG syndrome. Last evaluated: 2026-01-24. Review status: criteria provided, single submitter. Criteria: Invitae Variant Classification Sherloc (09022015). Collection method: clinical testing. Allele origin: germline.
Comment: This variant, c.6285_6290dup, results in the insertion of 2 amino acid(s) of the MED12 protein (p.Gln2114_Gln2115dup), but otherwise preserves the integrity of the reading frame. The frequency data for this variant in the population databases is considered unreliable, as metrics indicate poor data quality at this position in the gnomAD database. This variant has not been reported in the literature in individuals affected with MED12-related conditions. ClinVar contains an entry for this variant (Variation ID: 509645). Experimental studies and prediction algorithms are not available or were not evaluated, and the functional significance of this variant is currently unknown. In summary, the available evidence is currently insufficient to determine the role of this variant in disease. Therefore, it has been classified as a Variant of Uncertain Significance.

Genetic Services Laboratory, University of Chicago
Classification: Uncertain significance. Last evaluated: 2021-08-03. Review status: criteria provided, single submitter. Criteria: ACMG Guidelines, 2015. Collection method: clinical testing. Allele origin: germline. Affected: no.
Comment: This in-frame duplication is predicted to result in the duplication of two amino acid residue, p.Gln2114_Gln2115dup. This sequence change does not appear to have been previously described in patients with MED12-related disorders. This sequence change has been described in the gnomAD database with a low population frequency of 0.0088%; it has been observed in 2 individuals in the hemizygous state (dbSNP rs761195801). The functional significance of this sequence change is not known at present and its contribution to this patient's disease phenotype cannot definitively be determined.

GeneDx
Classification: Likely benign. Last evaluated: 2020-11-27. Review status: criteria provided, single submitter. Criteria: GeneDx Variant Classification Process June 2021. Collection method: clinical testing. Allele origin: germline. Affected: yes.

Ambry Genetics
Classification: Likely benign for Familial thoracic aortic aneurysm and aortic dissection. Last evaluated: 2016-06-10. Review status: criteria provided, single submitter. Criteria: Ambry Variant Classification Scheme 2023. Collection method: clinical testing. Allele origin: germline.